The following is an entry in ClinVar:

NM_001205293.3(CACNA1E):c.88G>T (p.Val30Leu)

Gene: CACNA1E (calcium voltage-gated channel subunit alpha1 E; plus strand). Cytogenetic location: 1q25.3.
Variant type: single nucleotide variant.
Coding change: c.88G>T on transcript NM_001205293.3 (MANE Select); coding-DNA position 88, G replaced by T.
Protein change: p.Val30Leu; replaces valine 30 with leucine.
Molecular consequence: missense variant.
Genome position (GRCh38, 1-based): chr1:181,483,832, G>T. VCF-style: chr1-181483832-G-T. GRCh37 (hg19) VCF-style: chr1-181452968-G-T.
Other names: c.88G>T, p.Val30Leu (NM_000721.4, NM_001205294.2); short protein forms V30L.
Identifiers: ClinVar variation 1720201 (VCV001720201.5), dbSNP rs1013161252, ClinGen allele CA343844318.

ClinVar aggregate classification (germline): Uncertain significance (1 of 4 stars; one submission).

Submission:

Labcorp Genetics (formerly Invitae), Labcorp
Classification: Uncertain significance. Last evaluated: 2022-09-23. Review status: criteria provided, single submitter. Criteria: Invitae Variant Classification Sherloc (09022015). Collection method: clinical testing. Allele origin: germline.
Comment: This variant has not been reported in the literature in individuals affected with CACNA1E-related conditions. Algorithms developed to predict the effect of missense changes on protein structure and function (SIFT, PolyPhen-2, Align-GVGD) all suggest that this variant is likely to be tolerated. In summary, the available evidence is currently insufficient to determine the role of this variant in disease. Therefore, it has been classified as a Variant of Uncertain Significance. This variant is not present in population databases (gnomAD no frequency). This sequence change replaces valine, which is neutral and non-polar, with leucine, which is neutral and non-polar, at codon 30 of the CACNA1E protein (p.Val30Leu).